The following is an entry in ClinVar:

NM_000410.4(HFE):c.944T>G (p.Val315Gly)

Gene: HFE (homeostatic iron regulator; plus strand). Cytogenetic location: 6p22.2.
Variant type: single nucleotide variant.
Coding change: c.944T>G on transcript NM_000410.4 (MANE Select); coding-DNA position 944, T replaced by G.
Protein change: p.Val315Gly; replaces valine 315 with glycine.
Molecular consequence: missense variant.
Genome position (GRCh38, 1-based): chr6:26,093,170, T>G. VCF-style: chr6-26093170-T-G. GRCh37 (hg19) VCF-style: chr6-26093398-T-G.
Other names: c.944T>G, p.Val315Gly (NM_001300749.3, NM_001384164.1); c.935T>G, p.Val312Gly (NM_001406751.1); c.680T>G, p.Val227Gly (NM_001406752.1, NM_139007.3); c.626T>G, p.Val209Gly (NM_139003.3); c.668T>G, p.Val223Gly (NM_139004.3); c.902T>G, p.Val301Gly (NM_139006.3); c.638T>G, p.Val213Gly (NM_139008.3); c.875T>G, p.Val292Gly (NM_139009.3); and 2 more; short protein forms V135G, V209G, V213G, V223G, V227G, V292G, V301G, V315G.
Identifiers: ClinVar variation 1321072 (VCV001321072.4), dbSNP rs147519426, ClinGen allele CA3666783.

ClinVar aggregate classification (germline): Uncertain significance (1 of 4 stars; one submission).

Allele frequency attached by ClinVar (database versions not stated): ExAC 0.00001; TOPMed 0.00006; gnomAD 0.00006; 1000 Genomes Project 30x 0.00016; gnomAD exomes below 0.00001; ESP Exome Variant Server 0.00015; 1000 Genomes Project 0.00020.
gnomAD v4.1: 12 of 1,614,068 alleles (0.00074%); highest among the groups gnomAD compares: African/African-American, 0.013%; no homozygotes.

Submission:

GeneDx
Classification: Uncertain significance. Last evaluated: 2019-11-25. Review status: criteria provided, single submitter. Criteria: GeneDx Variant Classification Process June 2021. Collection method: clinical testing. Allele origin: germline. Affected: yes.
Comment: In silico analysis, which includes protein predictors and evolutionary conservation, supports a deleterious effect; Has not been previously published as pathogenic or benign to our knowledge